The following is an entry in ClinVar:

NM_001048174.2(MUTYH):c.1448C>G (p.Ser483Cys)

Gene: MUTYH (mutY DNA glycosylase; minus strand). Cytogenetic location: 1p34.1.
Variant type: single nucleotide variant.
Coding change: c.1448C>G on transcript NM_001048174.2 (MANE Select); coding-DNA position 1448, C replaced by G.
Protein change: p.Ser483Cys; replaces serine 483 with cysteine.
Molecular consequence: missense variant. On other transcripts: non-coding transcript variant (7).
Genome position (GRCh38, 1-based): chr1:45,329,424, G>C on the plus strand (C>G on the coding strand, the complement: MUTYH is on the minus strand). VCF-style: chr1-45329424-G-C. GRCh37 (hg19) VCF-style: chr1-45795096-G-C.
Other names: c.1448C>G, p.Ser483Cys (NM_001048171.2, NM_001048173.2, NM_001293195.2 and 6 more transcripts); c.1451C>G, p.Ser484Cys (NM_001048172.2, NM_001407071.1, NM_001407078.1 and 1 more transcripts); c.1532C>G, p.Ser511Cys (NM_001128425.2); c.1493C>G, p.Ser498Cys (NM_001293190.2); c.1481C>G, p.Ser494Cys (NM_001293191.2, NM_001407069.1, NM_001407077.1); c.1172C>G, p.Ser391Cys (NM_001293192.2, NM_001293196.2, NM_001407091.1); c.1103C>G, p.Ser368Cys (NM_001350650.2, NM_001350651.2, NM_001407082.1); c.1364C>G, p.Ser455Cys (NM_001407075.1); and 5 more; short protein forms S455C, S470C, S368C, S469C, S484C, S490C, S494C, S508C.
Identifiers: ClinVar variation 4113336 (VCV004113336.1).

ClinVar aggregate classification (germline): Uncertain significance (1 of 4 stars; one submission).

Conditions:
Hereditary cancer-predisposing syndrome. Also called: Tumor predisposition; Neoplastic Syndromes, Hereditary; Hereditary neoplastic syndrome; Hereditary Cancer Syndrome. Identifiers: Orphanet 140162, MedGen C0027672, MeSH D009386, MONDO:0015356.

Submission:

Ambry Genetics
Classification: Uncertain significance for Hereditary cancer-predisposing syndrome. Last evaluated: 2025-08-27. Review status: criteria provided, single submitter. Criteria: Ambry Variant Classification Scheme 2023. Collection method: clinical testing. Allele origin: germline.
Comment: The p.S511C variant (also known as c.1532C>G), located in coding exon 16 of the MUTYH gene, results from a C to G substitution at nucleotide position 1532. The serine at codon 511 is replaced by cysteine, an amino acid with dissimilar properties. This amino acid position is conserved. In addition, this alteration is predicted to be tolerated by in silico analysis. Based on the available evidence, the clinical significance of this variant remains unclear.